The following is an entry in ClinVar:

NM_000503.6(EYA1):c.1704G>A (p.Ala568=)

Gene: EYA1 (EYA transcriptional coactivator and phosphatase 1; minus strand). Cytogenetic location: 8q13.3.
Variant type: single nucleotide variant.
Coding change: c.1704G>A on transcript NM_000503.6 (MANE Select); coding-DNA position 1704, G replaced by A.
Protein change: p.Ala568=; no amino-acid change (alanine 568 retained).
Molecular consequence: synonymous variant.
Genome position (GRCh38, 1-based): chr8:71,199,415, C>T on the plus strand (G>A on the coding strand, the complement: EYA1 is on the minus strand). VCF-style: chr8-71199415-C-T. GRCh37 (hg19) VCF-style: chr8-72111650-C-T.
Other names: c.1704G>A (NM_000503.4, NM_172058.3); c.1686G>A, p.Ala562= (NM_001288574.2, NM_172059.5); c.1338G>A, p.Ala446= (NM_001288575.2); c.1791G>A, p.Ala597= (NM_001370333.1); c.1704G>A, p.Ala568= (NM_001370334.1, NM_001370335.1, NM_172058.4); c.1683G>A, p.Ala561= (NM_001370336.1); c.1605G>A, p.Ala535= (NM_001411797.1, NM_172060.4).
Identifiers: ClinVar variation 2724964 (VCV002724964.6), dbSNP rs761954788, ClinGen allele CA4779374.

ClinVar aggregate classification (germline): Likely benign. Review status: criteria provided, multiple submitters, no conflicts (2 of 4 stars). 3 submissions from 3 submitters: Likely benign (2). 1 of the submissions does not count toward it. Last evaluated 2024-05-29.

Conditions:
Melnick-Fraser syndrome (BOR). Also called: Branchiootorenal syndrome; Branchio-oto-renal syndrome; Branchiootorenal Syndrome (BORS). Identifiers: Orphanet 107, MedGen C0265234, MONDO:0007029.
EYA1-related disorder. Also called: EYA1-related condition.
Inborn genetic diseases. Identifiers: MedGen C0950123, MeSH D030342.

Allele frequency attached by ClinVar (database versions not stated): gnomAD 0.00004; TOPMed 0.00004; ExAC 0.00005.
gnomAD v4.1: 54 of 1,611,906 alleles (0.0034%); highest among the groups gnomAD compares: Admixed American, 0.017%; no homozygotes.

Submissions (3):

Ambry Genetics
Classification: Likely benign for Inborn genetic diseases. Last evaluated: 2024-05-29. Review status: criteria provided, single submitter. Criteria: Ambry Variant Classification Scheme 2023. Collection method: clinical testing. Allele origin: germline.

Labcorp Genetics (formerly Invitae), Labcorp
Classification: Likely benign for Melnick-Fraser syndrome. Last evaluated: 2023-12-05. Review status: criteria provided, single submitter. Criteria: Invitae Variant Classification Sherloc (09022015). Collection method: clinical testing. Allele origin: germline.

PreventionGenetics, part of Exact Sciences
Classification: Likely benign for EYA1-related condition. Last evaluated: 2023-12-07. Review status: no assertion criteria provided. Collection method: clinical testing. Allele origin: germline. Not counted in ClinVar's aggregate classification.
Comment: This variant is classified as likely benign based on ACMG/AMP sequence variant interpretation guidelines (Richards et al. 2015 PMID: 25741868, with internal and published modifications).